The following is an entry in ClinVar:

NM_198253.3(TERT):c.1660G>A (p.Val554Ile)

Gene: TERT (telomerase reverse transcriptase; minus strand). Cytogenetic location: 5p15.33.
Variant type: single nucleotide variant.
Coding change: c.1660G>A on transcript NM_198253.3 (MANE Select); coding-DNA position 1660, G replaced by A.
Protein change: p.Val554Ile; replaces valine 554 with isoleucine.
Molecular consequence: missense variant. On other transcripts: non-coding transcript variant (2).
Genome position (GRCh38, 1-based): chr5:1,282,538, C>T on the plus strand (G>A on the coding strand, the complement: TERT is on the minus strand). VCF-style: chr5-1282538-C-T. GRCh37 (hg19) VCF-style: chr5-1282653-C-T.
Other names: c.1660G>A, p.Val554Ile (NM_001193376.3); short protein forms V554I.
Identifiers: ClinVar variation 3967324 (VCV003967324.2).

ClinVar aggregate classification (germline): Uncertain significance. Review status: criteria provided, multiple submitters, no conflicts (2 of 4 stars). 2 submissions from 2 submitters: Uncertain significance (2). Last evaluated 2025-04-30.

Conditions:
Dyskeratosis congenita. Identifiers: Orphanet 1775, MedGen C0265965, MONDO:0015780.

gnomAD v4.1: 4 of 1,614,140 alleles (0.00025%); highest among the groups gnomAD compares: Middle Eastern, 0.016%; no homozygotes.

Submissions (2):

Ambry Genetics
Classification: Uncertain significance for Dyskeratosis congenita. Last evaluated: 2025-04-30. Review status: criteria provided, single submitter. Criteria: Ambry Variant Classification Scheme 2023. Collection method: clinical testing. Allele origin: germline.
Comment: The p.V554I variant (also known as c.1660G>A), located in coding exon 3 of the TERT gene, results from a G to A substitution at nucleotide position 1660. The valine at codon 554 is replaced by isoleucine, an amino acid with highly similar properties. This amino acid position is not well conserved in available vertebrate species. In addition, this alteration is predicted to be tolerated by in silico analysis. Based on the available evidence, the clinical significance of this variant remains unclear.

Blueprint Genetics
Classification: Uncertain significance. Last evaluated: 2022-07-14. Review status: criteria provided, single submitter. Criteria: ACMG Guidelines, 2015. Collection method: clinical testing. Allele origin: germline.